The following is an entry in ClinVar:

NM_001042472.3(ABHD12):c.750-3T>C

Gene: ABHD12 (abhydrolase domain containing 12, lysophospholipase; minus strand). Cytogenetic location: 20p11.21.
Variant type: single nucleotide variant.
Coding change: c.750-3T>C on transcript NM_001042472.3 (MANE Select); 3 bases into the intron before coding-DNA position 750, T replaced by C.
Molecular consequence: intron variant.
Genome position (GRCh38, 1-based): chr20:25,308,497, A>G on the plus strand (T>C on the coding strand, the complement: ABHD12 is on the minus strand). VCF-style: chr20-25308497-A-G. GRCh37 (hg19) VCF-style: chr20-25289133-A-G.
Other names: c.750-3T>C (NM_015600.5).
Identifiers: ClinVar variation 1944020 (VCV001944020.5), dbSNP rs1333002557, ClinGen allele CA634951636.

ClinVar aggregate classification (germline): Uncertain significance (1 of 4 stars; one submission).

Allele frequency attached by ClinVar (database versions not stated): gnomAD exomes below 0.00001.
gnomAD v4.1: 5 of 1,609,736 alleles (0.00031%); highest among the groups gnomAD compares: South Asian, 0.0055%; no homozygotes.

Submission:

Labcorp Genetics (formerly Invitae), Labcorp
Classification: Uncertain significance. Last evaluated: 2022-05-05. Review status: criteria provided, single submitter. Criteria: Invitae Variant Classification Sherloc (09022015). Collection method: clinical testing. Allele origin: germline.
Comment: In summary, the available evidence is currently insufficient to determine the role of this variant in disease. Therefore, it has been classified as a Variant of Uncertain Significance. Variants that disrupt the consensus splice site are a relatively common cause of aberrant splicing (PMID: 17576681, 9536098). Algorithms developed to predict the effect of sequence changes on RNA splicing suggest that this variant is not likely to affect RNA splicing. This variant has not been reported in the literature in individuals affected with ABHD12-related conditions. This variant is present in population databases (no rsID available, gnomAD 0.007%). This sequence change falls in intron 7 of the ABHD12 gene. It does not directly change the encoded amino acid sequence of the ABHD12 protein. It affects a nucleotide within the consensus splice site.

Literature cited by the submitters: PubMed 17576681; PubMed 9536098.